The following is an entry in ClinVar:

ClinVar aggregate classification (germline): Benign/Likely benign. Review status: criteria provided, multiple submitters, no conflicts (2 of 4 stars). 4 submissions from 4 submitters: Benign (1); Likely benign (3). Last evaluated 2025-12-20.

Conditions:
Familial thoracic aortic aneurysm and aortic dissection (TAAD). Also called: Thoracic aortic aneurysms and dissections. Identifiers: Orphanet 91387, MedGen C4707243, MONDO:0019625.
Congenital contractural arachnodactyly (CCA). Also called: BEALS SYNDROME; Beals-Hecht syndrome; Arthrogryposis, distal, type 9. Identifiers: Orphanet 115, MedGen C0220668, MONDO:0007363, OMIM 121050.

Allele frequency attached by ClinVar (database versions not stated): gnomAD 0.00003 and 0.00004; gnomAD exomes 0.00003 and 0.00005; ExAC 0.00004; TOPMed 0.00006.
gnomAD v4.1: 44 of 1,613,882 alleles (0.0027%); highest among the groups gnomAD compares: Admixed American, 0.0083%; no homozygotes.

Submissions (4):

Labcorp Genetics (formerly Invitae), Labcorp
Classification: Likely benign for Congenital contractural arachnodactyly. Last evaluated: 2025-12-20. Review status: criteria provided, single submitter. Criteria: Invitae Variant Classification Sherloc (09022015). Collection method: clinical testing. Allele origin: germline.

Ambry Genetics
Classification: Likely benign for Familial thoracic aortic aneurysm and aortic dissection. Last evaluated: 2025-06-10. Review status: criteria provided, single submitter. Criteria: Ambry Variant Classification Scheme 2023. Collection method: clinical testing. Allele origin: germline.

Illumina Laboratory Services, Illumina
Classification: Likely benign for Congenital contractural arachnodactyly. Last evaluated: 2018-01-13. Review status: criteria provided, single submitter. Criteria: ICSL Variant Classification Criteria 13 December 2019. Collection method: clinical testing. Allele origin: germline.
Comment: This variant was observed in the ICSL laboratory as part of a predisposition screen in an ostensibly healthy population. It had not been previously curated by ICSL or reported in the Human Gene Mutation Database (HGMD: prior to June 1st, 2018), and was therefore a candidate for classification through an automated scoring system. Utilizing variant allele frequency, disease prevalence and penetrance estimates, and inheritance mode, an automated score was calculated to assess if this variant is too frequent to cause the disease. Based on the score and internal cut-off values, a variant classified as likely benign is not then subjected to further curation. The score for this variant resulted in a classification of likely benign for this disease.

GeneDx
Classification: Benign. Last evaluated: 2013-08-15. Review status: criteria provided, single submitter. Criteria: GeneDx Variant Classification (06012015). Collection method: clinical testing. Allele origin: germline. Affected: yes.
Comment: This variant is considered likely benign or benign based on one or more of the following criteria: it is a conservative change, it occurs at a poorly conserved position in the protein, it is predicted to be benign by multiple in silico algorithms, and/or has population frequency not consistent with disease.

NM_001999.4(FBN2):c.7878C>T (p.His2626=)

Gene: FBN2 (fibrillin 2; minus strand). Cytogenetic location: 5q23.3.
Variant type: single nucleotide variant.
Coding change: c.7878C>T on transcript NM_001999.4 (MANE Select); coding-DNA position 7878, C replaced by T.
Protein change: p.His2626=; no amino-acid change (histidine 2626 retained).
Molecular consequence: synonymous variant.
Genome position (GRCh38, 1-based): chr5:128,272,081, G>A on the plus strand (C>T on the coding strand, the complement: FBN2 is on the minus strand). VCF-style: chr5-128272081-G-A. GRCh37 (hg19) VCF-style: chr5-127607773-G-A.
Other names: p.H2626H:CAC>CAT.
Identifiers: ClinVar variation 137352 (VCV000137352.14), dbSNP rs587780943, ClinGen allele CA290897.